The following is an entry in ClinVar:

NM_001382391.1(CSPP1):c.3533_3536dup (p.Val1180fs)

Genes: ARFGEF1 (ARF guanine nucleotide exchange factor 1; minus strand), CSPP1 (centrosome and spindle pole associated protein 1; plus strand). Cytogenetic location: 8q13.2.
Variant type: Duplication.
Coding change: c.3533_3536dup on transcript NM_001382391.1 (MANE Select); coding-DNA positions 3533 to 3536, 4 bases duplicated (ACTC; older notation c.3533_3536dupACTC).
Protein change: p.Val1180fs; shifts the reading frame from valine 1180.
Molecular consequence: frameshift variant. On other transcripts: 3 prime UTR variant (1), intron variant (2).
Genome position (GRCh38, 1-based): chr8:67,195,445-67,195,448, ACTC duplicated. VCF-style (leftmost placement, unchanged base first): chr8-67195444-A-AACTC. GRCh37 (hg19) VCF-style: chr8-68107679-A-AACTC.
Other names: c.2483_2486dup, p.Val830fs (NM_001291339.2); c.3452_3455dup, p.Val1153fs (NM_001363131.2); c.3338_3341dup, p.Val1115fs (NM_001363132.2); c.3257_3260dup, p.Val1088fs (NM_001363133.2); c.3599_3602dup, p.Val1202fs (NM_001364869.1); c.3419_3422dup, p.Val1142fs (NM_001364870.1); c.3365_3368dup, p.Val1124fs (NM_001438330.1); c.*25_*28dup (NM_001438331.1); and 4 more; short protein forms V1142fs, V1153fs, V830fs, V1088fs, V1115fs, V1175fs, V1180fs, V1202fs.
Identifiers: ClinVar variation 1039538 (VCV001039538.6), dbSNP rs1563816165, ClinGen allele CA582879905.

ClinVar aggregate classification (germline): Uncertain significance (1 of 4 stars; one submission).

Conditions:
Joubert syndrome 21 (JBTS21). Identifiers: MedGen C3810212, MONDO:0014288, OMIM 615636.

Allele frequency attached by ClinVar (database versions not stated): gnomAD 0.00001; TOPMed 0.00001; gnomAD exomes below 0.00001.

Submission:

Labcorp Genetics (formerly Invitae), Labcorp
Classification: Uncertain significance for Joubert syndrome 21. Last evaluated: 2023-11-28. Review status: criteria provided, single submitter. Criteria: Invitae Variant Classification Sherloc (09022015). Collection method: clinical testing. Allele origin: germline.
Comment: This sequence change creates a premature translational stop signal (p.Val1175Leufs*5) in the CSPP1 gene. While this is not anticipated to result in nonsense mediated decay, it is expected to disrupt the last 47 amino acid(s) of the CSPP1 protein. This variant is present in population databases (no rsID available, gnomAD 0.003%). This variant has not been reported in the literature in individuals affected with CSPP1-related conditions. ClinVar contains an entry for this variant (Variation ID: 1039538). Algorithms developed to predict the effect of sequence changes on RNA splicing suggest that this variant may disrupt the consensus splice site. In summary, the available evidence is currently insufficient to determine the role of this variant in disease. Therefore, it has been classified as a Variant of Uncertain Significance.